The following is an entry in ClinVar:

ClinVar aggregate classification (germline): Conflicting classifications of pathogenicity. Review status: criteria provided, conflicting classifications (1 of 4 stars). 3 submissions from 3 submitters: Uncertain significance (1); Likely benign (2). Last evaluated 2024-07-24.

Conditions:
Ehlers-Danlos syndrome (EDS). Identifiers: Orphanet 98249, MedGen C0013720, MONDO:0020066.
Cardiovascular phenotype. Identifiers: MedGen CN230736.

Allele frequency attached by ClinVar (database versions not stated): TOPMed 0.00008; gnomAD 0.00009 and 0.00010.
gnomAD v4.1: 74 of 1,612,934 alleles (0.0046%); highest among the groups gnomAD compares: African/African-American, 0.028%; no homozygotes.

Submissions (3):

Ambry Genetics
Classification: Likely benign for Cardiovascular phenotype. Last evaluated: 2024-07-24. Review status: criteria provided, single submitter. Criteria: Ambry Variant Classification Scheme 2023. Collection method: clinical testing. Allele origin: germline.

CeGaT Center for Human Genetics Tuebingen
Classification: Likely benign. Last evaluated: 2022-07-01. Review status: criteria provided, single submitter. Criteria: CeGaT Center For Human Genetics Tuebingen Variant Classification Criteria Version 2. Collection method: clinical testing. Allele origin: germline. Affected: yes. Observed: 1 variant allele.
Comment: TNXB: BP4, BP7

Genome Diagnostics Laboratory, The Hospital for Sick Children
Classification: Uncertain significance for Ehlers-Danlos syndrome. Last evaluated: 2020-09-28. Review status: criteria provided, single submitter. Criteria: ACMG Guidelines, 2015. Collection method: clinical testing. Allele origin: germline.

NM_001365276.2(TNXB):c.8112C>T (p.Arg2704=)

Gene: TNXB (tenascin XB; minus strand). Cytogenetic location: 6p21.33.
Variant type: single nucleotide variant.
Coding change: c.8112C>T on transcript NM_001365276.2 (MANE Select); coding-DNA position 8112, C replaced by T.
Protein change: p.Arg2704=; no amino-acid change (arginine 2704 retained).
Molecular consequence: synonymous variant.
Genome position (GRCh38, 1-based): chr6:32,056,617, G>A on the plus strand (C>T on the coding strand, the complement: TNXB is on the minus strand). VCF-style: chr6-32056617-G-A. GRCh37 (hg19) VCF-style: chr6-32024394-G-A.
Other names: c.8112C>T, p.Arg2704= (NM_019105.8).
Identifiers: ClinVar variation 1702349 (VCV001702349.28), dbSNP rs753413229, ClinGen allele CA3733960.
Genomic context (GRCh38, chr6:32,056,617, plus strand): 5'-CCACCCTGGGGCTGCCATCATCCACTCACCCGTCACCCCAATGACAGAGATGGGGCCCAC[G>A]CGCTGGCCACCGTGGAAGCCGTACAGGTTCATCTTGTATTTATGGTCTGGCTCCAGGCCT-3'
Protein context (NP_001352205.1, residues 2694-2714): MNLYGFHGGQ[Arg2704=]VGPISVIGVT